The following is an entry in ClinVar:

NM_000384.3(APOB):c.7704T>G (p.Tyr2568Ter)

Gene: APOB (apolipoprotein B; minus strand). Cytogenetic location: 2p24.1.
Variant type: single nucleotide variant.
Coding change: c.7704T>G on transcript NM_000384.3 (MANE Select); coding-DNA position 7704, T replaced by G.
Protein change: p.Tyr2568Ter; replaces tyrosine 2568 with a stop codon.
Molecular consequence: nonsense.
Genome position (GRCh38, 1-based): chr2:21,009,164, A>C on the plus strand (T>G on the coding strand, the complement: APOB is on the minus strand). VCF-style: chr2-21009164-A-C. GRCh37 (hg19) VCF-style: chr2-21232036-A-C.
Other names: short protein forms Y2568*.
Identifiers: ClinVar variation 1456415 (VCV001456415.6), dbSNP rs2103355239, ClinGen allele CA345996399.

ClinVar aggregate classification (germline): Pathogenic (1 of 4 stars; one submission).

Conditions:
Familial hypobetalipoproteinemia 1. Also called: APOB-Related Familial Hypobetalipoproteinemia; Hypobetalipoproteinemia, normotriglyceridemic; Acanthocytosis with hypobetalipoproteinemia. Identifiers: MedGen C4551990, MONDO:0014252, OMIM 615558.
Hypercholesterolemia, autosomal dominant, type B (FHCL2). Also called: Familial Hypercholesterolemia Type B; APOLIPOPROTEIN B-100, FAMILIAL DEFECTIVE; APOLIPOPROTEIN B-100, FAMILIAL LIGAND-DEFECTIVE; HYPERCHOLESTEROLEMIA, FAMILIAL, DUE TO LIGAND-DEFECTIVE APOLIPOPROTEIN B; Familial hypercholesterolemia 2; Hyperlipoproteinemia Type IIb. Identifiers: MedGen C1704417, MONDO:0007751, OMIM 144010.

Submission:

Labcorp Genetics (formerly Invitae), Labcorp
Classification: Pathogenic for Familial hypobetalipoproteinemia 1; Hypercholesterolemia, autosomal dominant, type B. Last evaluated: 2021-10-04. Review status: criteria provided, single submitter. Criteria: Invitae Variant Classification Sherloc (09022015). Collection method: clinical testing. Allele origin: germline.
Comment: For these reasons, this variant has been classified as Pathogenic. This variant has not been reported in the literature in individuals affected with APOB-related conditions. This variant is not present in population databases (ExAC no frequency). This sequence change creates a premature translational stop signal (p.Tyr2568*) in the APOB gene. It is expected to result in an absent or disrupted protein product. Loss-of-function variants in APOB are known to be pathogenic (PMID: 20032471).

Literature cited by the submitters: PubMed 20032471.